The following is an entry in ClinVar:

NM_014014.5(SNRNP200):c.2744A>G (p.Asp915Gly)

Gene: SNRNP200 (small nuclear ribonucleoprotein U5 subunit 200; minus strand). Cytogenetic location: 2q11.2.
Variant type: single nucleotide variant.
Coding change: c.2744A>G on transcript NM_014014.5 (MANE Select); coding-DNA position 2744, A replaced by G.
Protein change: p.Asp915Gly; replaces aspartic acid 915 with glycine.
Molecular consequence: missense variant.
Genome position (GRCh38, 1-based): chr2:96,289,995, T>C on the plus strand (A>G on the coding strand, the complement: SNRNP200 is on the minus strand). VCF-style: chr2-96289995-T-C. GRCh37 (hg19) VCF-style: chr2-96955733-T-C.
Other names: short protein forms D915G.
Identifiers: ClinVar variation 843765 (VCV000843765.10), dbSNP rs2063874431, ClinGen allele CA347675305.

ClinVar aggregate classification (germline): Uncertain significance (1 of 4 stars; one submission).

Submission:

Labcorp Genetics (formerly Invitae), Labcorp
Classification: Uncertain significance. Last evaluated: 2019-12-28. Review status: criteria provided, single submitter. Criteria: Invitae Variant Classification Sherloc (09022015). Collection method: clinical testing. Allele origin: germline.
Comment: This variant is not present in population databases (ExAC no frequency). In summary, the available evidence is currently insufficient to determine the role of this variant in disease. Therefore, it has been classified as a Variant of Uncertain Significance. Algorithms developed to predict the effect of sequence changes on RNA splicing suggest that this variant may create or strengthen a splice site, but this prediction has not been confirmed by published transcriptional studies. Algorithms developed to predict the effect of missense changes on protein structure and function are either unavailable or do not agree on the potential impact of this missense change (SIFT: "Deleterious"; PolyPhen-2: "Possibly Damaging"; Align-GVGD: "Class C0"). This variant has not been reported in the literature in individuals with SNRNP200-related conditions. This sequence change replaces aspartic acid with glycine at codon 915 of the SNRNP200 protein (p.Asp915Gly). The aspartic acid residue is highly conserved and there is a moderate physicochemical difference between aspartic acid and glycine.